The following is an entry in ClinVar:

NM_022089.4(ATP13A2):c.1897G>T (p.Ala633Ser)

Gene: ATP13A2 (ATPase cation transporting 13A2; minus strand). Cytogenetic location: 1p36.13.
Variant type: single nucleotide variant.
Coding change: c.1897G>T on transcript NM_022089.4 (MANE Select); coding-DNA position 1897, G replaced by T.
Protein change: p.Ala633Ser; replaces alanine 633 with serine.
Molecular consequence: missense variant.
Genome position (GRCh38, 1-based): chr1:16,992,351, C>A on the plus strand (G>T on the coding strand, the complement: ATP13A2 is on the minus strand). VCF-style: chr1-16992351-C-A. GRCh37 (hg19) VCF-style: chr1-17318846-C-A.
Other names: c.1897G>T (NM_022089.2); c.1882G>T, p.Ala628Ser (NM_001141973.3, NM_001141974.3); short protein forms A628S, A633S.
Identifiers: ClinVar variation 1507857 (VCV001507857.6), dbSNP rs766354139, ClinGen allele CA637039.
Genomic context (GRCh38, chr1:16,992,351, plus strand): 5'-CGTAGGCCTCGGGCTGAGTGGCCCCTGGCCACGCCACCACCACACTCATGCGCTGCAGAG[C>A]CGAAGAGAAGGGGAAGCGGTGGAGGACGCTGACTGGCACCGGGGGCTCCTCCTGCAGGGT-3'
Protein context (NP_071372.1, residues 623-643): SVLHRFPFSS[Ala633Ser]LQRMSVVVAW

ClinVar aggregate classification (germline): Uncertain significance. Review status: criteria provided, multiple submitters, no conflicts (2 of 4 stars). 2 submissions from 2 submitters: Uncertain significance (2). Last evaluated 2025-12-02.

Conditions:
Autosomal recessive spastic paraplegia type 78. Identifiers: Orphanet 513436, MedGen C5567893, MONDO:0014975, OMIM 617225.
Kufor-Rakeb syndrome (KRS). Also called: PARKINSON DISEASE 9, AUTOSOMAL RECESSIVE, JUVENILE-ONSET. Identifiers: Orphanet 306674, Orphanet 314632, MedGen C1847640, MONDO:0011706, OMIM 606693.
Inborn genetic diseases. Identifiers: MedGen C0950123, MeSH D030342.

Allele frequency attached by ClinVar (database versions not stated): gnomAD exomes below 0.00001 and 0.00001; ExAC 0.00002; TOPMed 0.00002.
gnomAD v4.1: 3 of 1,613,226 alleles (0.00019%); highest among the groups gnomAD compares: Admixed American, 0.0033%; no homozygotes.

Submissions (2):

Ambry Genetics
Classification: Uncertain significance for Inborn genetic diseases. Last evaluated: 2025-12-02. Review status: criteria provided, single submitter. Criteria: Ambry Variant Classification Scheme 2023. Collection method: clinical testing. Allele origin: germline.

Labcorp Genetics (formerly Invitae), Labcorp
Classification: Uncertain significance for Kufor-Rakeb syndrome; Autosomal recessive spastic paraplegia type 78. Last evaluated: 2024-10-15. Review status: criteria provided, single submitter. Criteria: Invitae Variant Classification Sherloc (09022015). Collection method: clinical testing. Allele origin: germline.
Comment: This sequence change replaces alanine, which is neutral and non-polar, with serine, which is neutral and polar, at codon 633 of the ATP13A2 protein (p.Ala633Ser). This variant is present in population databases (rs766354139, gnomAD 0.006%). This variant has not been reported in the literature in individuals affected with ATP13A2-related conditions. ClinVar contains an entry for this variant (Variation ID: 1507857). Invitae Evidence Modeling of protein sequence and biophysical properties (such as structural, functional, and spatial information, amino acid conservation, physicochemical variation, residue mobility, and thermodynamic stability) indicates that this missense variant is not expected to disrupt ATP13A2 protein function with a negative predictive value of 80%. Algorithms developed to predict the effect of sequence changes on RNA splicing suggest that this variant may create or strengthen a splice site. In summary, the available evidence is currently insufficient to determine the role of this variant in disease. Therefore, it has been classified as a Variant of Uncertain Significance.